The following is an entry in ClinVar:

ClinVar aggregate classification (germline): Uncertain significance (1 of 4 stars; one submission).

Conditions:
Joubert syndrome 21 (JBTS21). Identifiers: MedGen C3810212, MONDO:0014288, OMIM 615636.

Submission:

Labcorp Genetics (formerly Invitae), Labcorp
Classification: Uncertain significance for Joubert syndrome 21. Last evaluated: 2022-02-03. Review status: criteria provided, single submitter. Criteria: Invitae Variant Classification Sherloc (09022015). Collection method: clinical testing. Allele origin: germline.
Comment: In summary, the available evidence is currently insufficient to determine the role of this variant in disease. Therefore, it has been classified as a Variant of Uncertain Significance. Algorithms developed to predict the effect of sequence changes on RNA splicing suggest that this variant may create or strengthen a splice site. This variant has not been reported in the literature in individuals affected with CSPP1-related conditions. This variant is not present in population databases (gnomAD no frequency). This sequence change falls in intron 20 of the CSPP1 gene. It does not directly change the encoded amino acid sequence of the CSPP1 protein.

NM_001382391.1(CSPP1):c.2644-14T>G

Gene: CSPP1 (centrosome and spindle pole associated protein 1; plus strand). Cytogenetic location: 8q13.2.
Variant type: single nucleotide variant.
Coding change: c.2644-14T>G on transcript NM_001382391.1 (MANE Select); 14 bases into the intron before coding-DNA position 2644, T replaced by G.
Molecular consequence: intron variant.
Genome position (GRCh38, 1-based): chr8:67,163,718, T>G. VCF-style: chr8-67163718-T-G. GRCh37 (hg19) VCF-style: chr8-68075953-T-G.
Other names: c.2449-14T>G (NM_001363132.2); c.2563-14T>G (NM_001363131.2); c.2368-14T>G (NM_001363133.2); c.2710-14T>G (NM_001364869.1); c.2629-14T>G (NM_024790.7, NM_001438331.1); c.2476-14T>G (NM_001438330.1); c.2530-14T>G (NM_001364870.1); c.1945-14T>G (NM_001438332.1); and 1 more.
Identifiers: ClinVar variation 1497405 (VCV001497405.8), dbSNP rs2129562428, ClinGen allele CA2573143232.